The following is an entry in ClinVar:

NM_000540.3(RYR1):c.13677C>G (p.Asn4559Lys)

Gene: RYR1 (ryanodine receptor 1; plus strand). Cytogenetic location: 19q13.2.
Variant type: single nucleotide variant.
Coding change: c.13677C>G on transcript NM_000540.3 (MANE Select); coding-DNA position 13677, C replaced by G.
Protein change: p.Asn4559Lys; replaces asparagine 4559 with lysine.
Molecular consequence: missense variant.
Genome position (GRCh38, 1-based): chr19:38,570,624, C>G. VCF-style: chr19-38570624-C-G. GRCh37 (hg19) VCF-style: chr19-39061264-C-G.
Other names: c.13662C>G, p.Asn4554Lys (NM_001042723.2); short protein forms N4554K, N4559K.
Identifiers: ClinVar variation 2583139 (VCV002583139.1), dbSNP rs2514706908, ClinGen allele CA405678722.
Genomic context (GRCh38, chr19:38,570,624, plus strand): 5'-GCTGATCTGTGAGCGCTTTCTCTCTTTTTCTCTTCTCTCTCAGAACTACCTGTCCCGGAA[C>G]TTTTACACCCTGCGGTTCCTTGCCCTCTTCTTGGCATTTGCCATCAACTTCATCTTGCTG-3'
Protein context (NP_000531.2, residues 4549-4569): RVKFLNYLSR[Asn4559Lys]FYTLRFLALF

ClinVar aggregate classification (germline): Uncertain significance (1 of 4 stars; one submission).

Submission:

Human Genetics Bochum, Ruhr University Bochum
Classification: Uncertain significance. Last evaluated: 2023-02-13. Review status: criteria provided, single submitter. Criteria: ACMG Guidelines, 2015. Collection method: clinical testing. Allele origin: germline. Affected: yes.
Comment: ACMG criteria used to clasify this variant: PM3, PP3_MOD, PM2_SUP